The following is an entry in ClinVar:

NM_001379403.1(WDR26):c.1462A>G (p.Thr488Ala)

Gene: WDR26 (WD repeat domain 26; minus strand). Cytogenetic location: 1q42.12.
Variant type: single nucleotide variant.
Coding change: c.1462A>G on transcript NM_001379403.1 (MANE Select); coding-DNA position 1462, A replaced by G.
Protein change: p.Thr488Ala; replaces threonine 488 with alanine.
Molecular consequence: missense variant.
Genome position (GRCh38, 1-based): chr1:224,404,567, T>C on the plus strand (A>G on the coding strand, the complement: WDR26 is on the minus strand). VCF-style: chr1-224404567-T-C. GRCh37 (hg19) VCF-style: chr1-224592269-T-C.
Other names: c.1114A>G, p.Thr372Ala (NM_001115113.3); c.1162A>G, p.Thr388Ala (NM_025160.7); short protein forms T372A, T488A, T388A.
Identifiers: ClinVar variation 4993454 (VCV004993454.1).
Genomic context (GRCh38, chr1:224,404,567, plus strand): 5'-CAATATAAGAAACGCCATAAGCATGTCCTTCTAATGTTTTAAGCAGTTTTAGCAGGTGTG[T>C]ATCCTGGGAGGGAAAATAAACAATTCAGTTAACCCCTATCACTAAAGTCATTGTTTCCCA-3'
Protein context (NP_001366332.1, residues 478-498): TVIIWQVDPD[Thr488Ala]HLLKLLKTLE

ClinVar aggregate classification (germline): Uncertain significance (1 of 4 stars; one submission).

Conditions:
WDR26-related disorder. Also called: WDR26-related condition.

gnomAD v4.1: 2 of 1,611,032 alleles (0.00012%); highest among the groups gnomAD compares: Admixed American, 0.0034%; no homozygotes.

Submission:

PreventionGenetics, part of Exact Sciences
Classification: Uncertain significance for WDR26-related condition. Last evaluated: 2026-06-15. Review status: criteria provided, single submitter. Criteria: ACMG Guidelines, 2015. Collection method: clinical testing. Allele origin: germline.
Comment: The WDR26 c.1162A>G variant is predicted to result in the amino acid substitution p.Thr388Ala. To our knowledge, this variant has not been reported in the literature. This variant is reported in 0.0030% of alleles in individuals of Latino descent in gnomAD. At this time, the clinical significance of this variant is uncertain due to the absence of conclusive functional and genetic evidence.